The following is an entry in ClinVar:

ClinVar aggregate classification (germline): Uncertain significance. Review status: criteria provided, multiple submitters, no conflicts (2 of 4 stars). 2 submissions from 2 submitters: Uncertain significance (2). Last evaluated 2022-07-12.

Conditions:
Vici syndrome (VICIS). Identifiers: Orphanet 1493, MedGen C1855772, MONDO:0009452, OMIM 242840.
Inborn genetic diseases. Identifiers: MedGen C0950123, MeSH D030342.

Allele frequency attached by ClinVar (database versions not stated): gnomAD exomes below 0.00001 and 0.00001; ExAC 0.00001; gnomAD 0.00001; TOPMed 0.00002.
gnomAD v4.1: 4 of 1,605,458 alleles (0.00025%); highest among the groups gnomAD compares: Admixed American, 0.0053%; no homozygotes.

Submissions (2):

Ambry Genetics
Classification: Uncertain significance for Inborn genetic diseases. Last evaluated: 2022-07-12. Review status: criteria provided, single submitter. Criteria: Ambry Variant Classification Scheme 2023. Collection method: clinical testing. Allele origin: germline.

Labcorp Genetics (formerly Invitae), Labcorp
Classification: Uncertain significance for Vici syndrome. Last evaluated: 2022-07-05. Review status: criteria provided, single submitter. Criteria: Invitae Variant Classification Sherloc (09022015). Collection method: clinical testing. Allele origin: germline.
Comment: This sequence change replaces serine, which is neutral and polar, with phenylalanine, which is neutral and non-polar, at codon 1285 of the EPG5 protein (p.Ser1285Phe). This variant is present in population databases (rs779751217, gnomAD 0.007%). This variant has not been reported in the literature in individuals affected with EPG5-related conditions. ClinVar contains an entry for this variant (Variation ID: 1410329). Algorithms developed to predict the effect of missense changes on protein structure and function (SIFT, PolyPhen-2, Align-GVGD) all suggest that this variant is likely to be disruptive. In summary, the available evidence is currently insufficient to determine the role of this variant in disease. Therefore, it has been classified as a Variant of Uncertain Significance.

NM_020964.3(EPG5):c.3854C>T (p.Ser1285Phe)

Gene: EPG5 (ectopic P-granules 5 autophagy tethering factor; minus strand). Cytogenetic location: 18q21.1.
Variant type: single nucleotide variant.
Coding change: c.3854C>T on transcript NM_020964.3 (MANE Select); coding-DNA position 3854, C replaced by T.
Protein change: p.Ser1285Phe; replaces serine 1285 with phenylalanine.
Molecular consequence: missense variant.
Genome position (GRCh38, 1-based): chr18:45,912,419, G>A on the plus strand (C>T on the coding strand, the complement: EPG5 is on the minus strand). VCF-style: chr18-45912419-G-A. GRCh37 (hg19) VCF-style: chr18-43492384-G-A.
Other names: c.3854C>T (NM_020964.2); short protein forms S1285F.
Identifiers: ClinVar variation 1410329 (VCV001410329.7), dbSNP rs779751217, ClinGen allele CA8949038.